The following is an entry in ClinVar:

ClinVar aggregate classification (germline): Uncertain significance (1 of 4 stars; one submission).

Conditions:
Cardiovascular phenotype. Identifiers: MedGen CN230736.

Submission:

Ambry Genetics
Classification: Uncertain significance for Cardiovascular phenotype. Last evaluated: 2025-05-10. Review status: criteria provided, single submitter. Criteria: Ambry Variant Classification Scheme 2023. Collection method: clinical testing. Allele origin: germline.
Comment: The p.E2740K variant (also known as c.8218G>A), located in coding exon 26 of the APOB gene, results from a G to A substitution at nucleotide position 8218. The glutamic acid at codon 2740 is replaced by lysine, an amino acid with similar properties. This amino acid position is conserved. In addition, this alteration is predicted to be tolerated by in silico analysis. Based on the available evidence, the clinical significance of this variant remains unclear.

NM_000384.3(APOB):c.8218G>A (p.Glu2740Lys)

Gene: APOB (apolipoprotein B; minus strand). Cytogenetic location: 2p24.1.
Variant type: single nucleotide variant.
Coding change: c.8218G>A on transcript NM_000384.3 (MANE Select); coding-DNA position 8218, G replaced by A.
Protein change: p.Glu2740Lys; replaces glutamic acid 2740 with lysine.
Molecular consequence: missense variant.
Genome position (GRCh38, 1-based): chr2:21,008,650, C>T on the plus strand (G>A on the coding strand, the complement: APOB is on the minus strand). VCF-style: chr2-21008650-C-T. GRCh37 (hg19) VCF-style: chr2-21231522-C-T.
Other names: short protein forms E2740K.
Identifiers: ClinVar variation 3933102 (VCV003933102.1).
Genomic context (GRCh38, chr2:21,008,650, plus strand): 5'-TGTATAGCTTGCCAAAAGTAGGTACTTCAATTGTGTGTGAGATGTGGGGAAGCTGGAATT[C>T]TGGTATGTGAAGGTCAGGAACTTGAAAATCATTAAGGTTGAGAGTTGGGATTATGAATTC-3'
Protein context (NP_000375.3, residues 2730-2750): DFQVPDLHIP[Glu2740Lys]FQLPHISHTI